The following is an entry in ClinVar:

ClinVar aggregate classification (germline): Uncertain significance (1 of 4 stars; one submission).

gnomAD v4.1: 2 of 1,614,228 alleles (0.00012%); highest among the groups gnomAD compares: Non-Finnish European, 0.00017%; no homozygotes.

Submission:

GeneDx
Classification: Uncertain significance. Last evaluated: 2025-04-20. Review status: criteria provided, single submitter. Criteria: GeneDx Variant Classification Process June 2021. Collection method: clinical testing. Allele origin: germline. Affected: yes.
Comment: Not observed at significant frequency in large population cohorts (gnomAD); In silico analysis indicates that this missense variant does not alter protein structure/function; Has not been previously published as pathogenic or benign to our knowledge

NM_002471.4(MYH6):c.1354C>G (p.Gln452Glu)

Gene: MYH6 (myosin heavy chain 6; minus strand). Cytogenetic location: 14q11.2.
Variant type: single nucleotide variant.
Coding change: c.1354C>G on transcript NM_002471.4 (MANE Select); coding-DNA position 1354, C replaced by G.
Protein change: p.Gln452Glu; replaces glutamine 452 with glutamic acid.
Molecular consequence: missense variant.
Genome position (GRCh38, 1-based): chr14:23,400,765, G>C on the plus strand (C>G on the coding strand, the complement: MYH6 is on the minus strand). VCF-style: chr14-23400765-G-C. GRCh37 (hg19) VCF-style: chr14-23869974-G-C.
Other names: short protein forms Q452E.
Identifiers: ClinVar variation 4282198 (VCV004282198.1).